The following is an entry in ClinVar:

ClinVar aggregate classification (germline): Uncertain significance (1 of 4 stars; one submission).

Conditions:
Developmental and epileptic encephalopathy 94 (DEE94). Also called: CHD2-Related Neurodevelopmental Disorders; Epileptic encephalopathy, childhood-onset. Identifiers: Orphanet 1942, Orphanet 2382, MedGen C3809278, MONDO:0014150, OMIM 615369.

Allele frequency attached by ClinVar (database versions not stated): gnomAD exomes below 0.00001; ExAC 0.00001.
gnomAD v4.1: 1 of 1,614,046 alleles (0.000062%); highest among the groups gnomAD compares: East Asian, 0.0022%; no homozygotes.

Submission:

Labcorp Genetics (formerly Invitae), Labcorp
Classification: Uncertain significance for Developmental and epileptic encephalopathy 94. Last evaluated: 2020-06-06. Review status: criteria provided, single submitter. Criteria: Invitae Variant Classification Sherloc (09022015). Collection method: clinical testing. Allele origin: germline.
Comment: This sequence change replaces threonine with alanine at codon 917 of the CHD2 protein (p.Thr917Ala). The threonine residue is highly conserved and there is a small physicochemical difference between threonine and alanine. This variant is present in population databases (rs766507274, ExAC 0.01%). This variant has not been reported in the literature in individuals with CHD2-related conditions. Algorithms developed to predict the effect of missense changes on protein structure and function (SIFT, PolyPhen-2, Align-GVGD) all suggest that this variant is likely to be disruptive, but these predictions have not been confirmed by published functional studies and their clinical significance is uncertain. In summary, the available evidence is currently insufficient to determine the role of this variant in disease. Therefore, it has been classified as a Variant of Uncertain Significance.

NM_001271.4(CHD2):c.2749A>G (p.Thr917Ala)

Gene: CHD2 (chromodomain helicase DNA binding protein 2; plus strand). Cytogenetic location: 15q26.1.
Variant type: single nucleotide variant.
Coding change: c.2749A>G on transcript NM_001271.4 (MANE Select); coding-DNA position 2749, A replaced by G.
Protein change: p.Thr917Ala; replaces threonine 917 with alanine.
Molecular consequence: missense variant.
Genome position (GRCh38, 1-based): chr15:92,979,156, A>G. VCF-style: chr15-92979156-A-G. GRCh37 (hg19) VCF-style: chr15-93522386-A-G.
Other names: short protein forms T917A.
Identifiers: ClinVar variation 1052348 (VCV001052348.11), dbSNP rs766507274, ClinGen allele CA7748067.